The following is an entry in ClinVar:

NM_001130987.2(DYSF):c.5317+192C>T

Gene: DYSF (dysferlin; plus strand). Cytogenetic location: 2p13.2.
Variant type: single nucleotide variant.
Coding change: c.5317+192C>T on transcript NM_001130987.2 (MANE Select); 192 bases into the intron after coding-DNA position 5317, C replaced by T.
Molecular consequence: intron variant.
Genome position (GRCh38, 1-based): chr2:71,665,496, C>T. VCF-style: chr2-71665496-C-T. GRCh37 (hg19) VCF-style: chr2-71892626-C-T.
Other names: c.5293+192C>T (NM_001130979.2); c.5314+192C>T (NM_001130981.2); c.5251+192C>T (NM_001130980.2); c.5263+192C>T (NM_001130978.2); c.5200+192C>T (NM_003494.4); c.5221+192C>T (NM_001130977.2); c.5158+192C>T (NM_001130976.2); c.5296+192C>T (NM_001130982.2); and 5 more.
Identifiers: ClinVar variation 679009 (VCV000679009.1), dbSNP rs17007169, ClinGen allele CA49767474.

ClinVar aggregate classification (germline): Likely benign (1 of 4 stars; one submission).

Allele frequency attached by ClinVar (database versions not stated): 1000 Genomes Project 0.00499; gnomAD 0.00585 and 0.00636; 1000 Genomes Project 30x 0.00593; TOPMed 0.00674.
gnomAD v4.1: 886 of 152,202 alleles (0.58%); highest among the groups gnomAD compares: African/African-American, 2%; 15 homozygotes.

Submission:

GeneDx
Classification: Likely benign. Last evaluated: 2018-06-16. Review status: criteria provided, single submitter. Criteria: GeneDx Variant Classification (06012015). Collection method: clinical testing. Allele origin: germline. Affected: yes.
Comment: This variant is considered likely benign or benign based on one or more of the following criteria: it is a conservative change, it occurs at a poorly conserved position in the protein, it is predicted to be benign by multiple in silico algorithms, and/or has population frequency not consistent with disease.